The following is an entry in ClinVar:

ClinVar aggregate classification (germline): Likely pathogenic (1 of 4 stars; one submission).

gnomAD v4.1: 1 of 1,600,116 alleles (0.000062%); highest among the groups gnomAD compares: Admixed American, 0.0017%; no homozygotes.

Submissions (2):

Labcorp Genetics (formerly Invitae), Labcorp
Classification: Likely pathogenic. Last evaluated: 2025-11-01. Review status: criteria provided, single submitter. Criteria: Invitae Variant Classification Sherloc (09022015). Collection method: clinical testing. Allele origin: germline.
Comment: This sequence change affects a donor splice site in intron 11 of the LRRK1 gene. It is expected to disrupt RNA splicing. Variants that disrupt the donor or acceptor splice site typically lead to a loss of protein function (PMID: 16199547), and loss-of-function variants in LRRK1 are known to be pathogenic (PMID: 23526378, 31571209, 32119750). This variant is present in population databases (rs534084016, gnomAD 0.003%). This variant has not been reported in the literature in individuals affected with LRRK1-related conditions. Algorithms developed to predict the effect of sequence changes on RNA splicing suggest that this variant may disrupt the consensus splice site. In summary, the currently available evidence indicates that the variant is pathogenic, but additional data are needed to prove that conclusively. Therefore, this variant has been classified as Likely Pathogenic.

Dr. Peter K. Rogan Lab, Western University
No classification provided (evidence only). Condition: Ovarian serous cystadenocarcinoma. Review status: no classification provided. Collection method: in vitro. Allele origin: not applicable. Functional consequence: retained intron. Not counted in ClinVar's aggregate classification.

Literature cited by the submitters: PubMed 16199547 (cited by Labcorp Genetics (formerly Invitae), Labcorp); PubMed 23526378 (cited by Labcorp Genetics (formerly Invitae), Labcorp); PubMed 31571209 (cited by Labcorp Genetics (formerly Invitae), Labcorp); PubMed 32119750 (cited by Labcorp Genetics (formerly Invitae), Labcorp).

NM_024652.6(LRRK1):c.1532+1G>A

Gene: LRRK1 (leucine rich repeat kinase 1; plus strand). Cytogenetic location: 15q26.3.
Variant type: single nucleotide variant.
Coding change: c.1532+1G>A on transcript NM_024652.6 (MANE Select); the canonical splice donor site of the intron after coding-DNA position 1532, G replaced by A.
Molecular consequence: splice donor variant.
Genome position (GRCh38, 1-based): chr15:101,014,429, G>A. VCF-style: chr15-101014429-G-A. GRCh37 (hg19) VCF-style: chr15-101554634-G-A.
Other names: NC_000015.9:g.101554634G>A.
Identifiers: ClinVar variation 4400815 (VCV004400815.2).
Genomic context (GRCh38, chr15:101,014,429, plus strand): 5'-AGAGAAGTGGACCTGCAGGCAGCTCAAAACCCTGGATCTCTCCAGAAACCAACTTGGCAA[G>A]TAAGCAGGGGCCTCTCCTCCCTGGCCAGTTCCAAAGCGTGTGTGGGGCCACGGTCGAGCA-3'